The following is an entry in ClinVar:

NM_006030.4(CACNA2D2):c.881T>C (p.Ile294Thr)

Gene: CACNA2D2 (calcium voltage-gated channel auxiliary subunit alpha2delta 2; minus strand). Cytogenetic location: 3p21.31.
Variant type: single nucleotide variant.
Coding change: c.881T>C on transcript NM_006030.4 (MANE Select); coding-DNA position 881, T replaced by C.
Protein change: p.Ile294Thr; replaces isoleucine 294 with threonine.
Molecular consequence: missense variant.
Genome position (GRCh38, 1-based): chr3:50,379,980, A>G on the plus strand (T>C on the coding strand, the complement: CACNA2D2 is on the minus strand). VCF-style: chr3-50379980-A-G. GRCh37 (hg19) VCF-style: chr3-50417411-A-G.
Other names: c.881T>C, p.Ile294Thr (NM_001005505.3, NM_001174051.3, NM_001410768.1); c.674T>C, p.Ile225Thr (NM_001291101.1); short protein forms I225T, I294T.
Identifiers: ClinVar variation 4719284 (VCV004719284.1).

ClinVar aggregate classification (germline): Uncertain significance (1 of 4 stars; one submission).

Conditions:
Early-infantile DEE. Also called: Ohtahara syndrome; Early infantile epileptic encephalopathy with suppression bursts; Early infantile epileptic encephalopathy. Identifiers: Orphanet 1934, MedGen C0393706, MONDO:0800491.

Submission:

Labcorp Genetics (formerly Invitae), Labcorp
Classification: Uncertain significance for Early-infantile DEE. Last evaluated: 2025-05-10. Review status: criteria provided, single submitter. Criteria: Invitae Variant Classification Sherloc (09022015). Collection method: clinical testing. Allele origin: germline.
Comment: This sequence change replaces isoleucine, which is neutral and non-polar, with threonine, which is neutral and polar, at codon 294 of the CACNA2D2 protein (p.Ile294Thr). This variant is not present in population databases (gnomAD no frequency). This variant has not been reported in the literature in individuals affected with CACNA2D2-related conditions. An algorithm developed to predict the effect of missense changes on protein structure and function (PolyPhen-2) suggests that this variant is likely to be disruptive. In summary, the available evidence is currently insufficient to determine the role of this variant in disease. Therefore, it has been classified as a Variant of Uncertain Significance.